The following is an entry in ClinVar:

NM_001754.5(RUNX1):c.688C>T (p.Gln230Ter)

Gene: RUNX1 (RUNX family transcription factor 1; minus strand). Cytogenetic location: 21q22.12.
Variant type: single nucleotide variant.
Coding change: c.688C>T on transcript NM_001754.5 (MANE Select); coding-DNA position 688, C replaced by T.
Protein change: p.Gln230Ter; replaces glutamine 230 with a stop codon.
Molecular consequence: nonsense.
Genome position (GRCh38, 1-based): chr21:34,834,527, G>A on the plus strand (C>T on the coding strand, the complement: RUNX1 is on the minus strand). VCF-style: chr21-34834527-G-A. GRCh37 (hg19) VCF-style: chr21-36206824-G-A.
Other names: c.607C>T, p.Gln203Ter (NM_001001890.3, NM_001122607.2); short protein forms Q203*, Q230*.
Identifiers: ClinVar variation 4863658 (VCV004863658.1).

ClinVar aggregate classification (germline): Pathogenic (1 of 4 stars; one submission).

Conditions:
Inborn genetic diseases. Identifiers: MedGen C0950123, MeSH D030342.

Submission:

Ambry Genetics
Classification: Pathogenic for Inborn genetic diseases. Last evaluated: 2026-05-26. Review status: criteria provided, single submitter. Criteria: Ambry Variant Classification Scheme 2023. Collection method: clinical testing. Allele origin: germline.
Comment: The p.Q230* pathogenic mutation (also known as c.688C>T), located in coding exon 6 of the RUNX1 gene, results from a C to T substitution at nucleotide position 688. This changes the amino acid from a glutamine to a stop codon within coding exon 6. This variant is considered to be rare based on population cohorts in the Genome Aggregation Database (gnomAD). This alteration is expected to result in loss of function by premature protein truncation or nonsense-mediated mRNA decay. As such, this alteration is interpreted as a disease-causing mutation.